The following is an entry in ClinVar:

ClinVar aggregate classification (germline): Conflicting classifications of pathogenicity. Review status: criteria provided, conflicting classifications (1 of 4 stars). 2 submissions from 2 submitters: Uncertain significance (1); Likely benign (1). Last evaluated 2025-04-30.

Allele frequency attached by ClinVar (database versions not stated): TOPMed below 0.00001.

Submissions (2):

GeneDx
Classification: Uncertain significance. Last evaluated: 2025-04-30. Review status: criteria provided, single submitter. Criteria: GeneDx Variant Classification Process June 2021. Collection method: clinical testing. Allele origin: germline. Affected: yes.
Comment: Not observed at significant frequency in large population cohorts (gnomAD); In silico analysis indicates that this variant does not alter splicing; Has not been previously published as pathogenic or benign to our knowledge; Reported using an alternate transcript of the gene

Labcorp Genetics (formerly Invitae), Labcorp
Classification: Likely benign. Last evaluated: 2018-11-22. Review status: criteria provided, single submitter. Criteria: Invitae Variant Classification Sherloc (09022015). Collection method: clinical testing. Allele origin: germline.

NM_153676.4(USH1C):c.1287G>A (p.Lys429=)

Gene: USH1C (USH1 protein network component harmonin; minus strand). Cytogenetic location: 11p15.1.
Variant type: single nucleotide variant.
Coding change: c.1287G>A on transcript NM_153676.4 (MANE Select); coding-DNA position 1287, G replaced by A.
Protein change: p.Lys429=; no amino-acid change (lysine 429 retained).
Molecular consequence: synonymous variant. On other transcripts: intron variant (2).
Genome position (GRCh38, 1-based): chr11:17,512,028, C>T on the plus strand (G>A on the coding strand, the complement: USH1C is on the minus strand). VCF-style: chr11-17512028-C-T. GRCh37 (hg19) VCF-style: chr11-17533575-C-T.
Other names: c.1227+5373G>A (NM_001297764.2); c.1284+5373G>A (NM_005709.4).
Identifiers: ClinVar variation 796022 (VCV000796022.9), dbSNP rs1053537791, ClinGen allele CA218449986.